The following is an entry in ClinVar:

ClinVar aggregate classification (germline): Uncertain significance (1 of 4 stars; one submission).

Allele frequency attached by ClinVar (database versions not stated): TOPMed below 0.00001; gnomAD 0.00001; gnomAD exomes 0.00001.
gnomAD v4.1: 6 of 1,613,814 alleles (0.00037%); highest among the groups gnomAD compares: Non-Finnish European, 0.00051%; no homozygotes.

Submission:

Labcorp Genetics (formerly Invitae), Labcorp
Classification: Uncertain significance. Last evaluated: 2021-12-21. Review status: criteria provided, single submitter. Criteria: Invitae Variant Classification Sherloc (09022015). Collection method: clinical testing. Allele origin: germline.
Comment: Algorithms developed to predict the effect of missense changes on protein structure and function output the following: SIFT: "Tolerated"; PolyPhen-2: "Benign"; Align-GVGD: "Class C0". The arginine amino acid residue is found in multiple mammalian species, which suggests that this missense change does not adversely affect protein function. This variant has not been reported in the literature in individuals affected with PDSS2-related conditions. This variant is present in population databases (no rsID available, gnomAD 0.007%). This sequence change replaces histidine, which is basic and polar, with arginine, which is basic and polar, at codon 9 of the PDSS2 protein (p.His9Arg). In summary, the available evidence is currently insufficient to determine the role of this variant in disease. Therefore, it has been classified as a Variant of Uncertain Significance.

NM_020381.4(PDSS2):c.26A>G (p.His9Arg)

Gene: PDSS2 (decaprenyl diphosphate synthase subunit 2; minus strand). Cytogenetic location: 6q21.
Variant type: single nucleotide variant.
Coding change: c.26A>G on transcript NM_020381.4 (MANE Select); coding-DNA position 26, A replaced by G.
Protein change: p.His9Arg; replaces histidine 9 with arginine.
Molecular consequence: missense variant.
Genome position (GRCh38, 1-based): chr6:107,459,260, T>C on the plus strand (A>G on the coding strand, the complement: PDSS2 is on the minus strand). VCF-style: chr6-107459260-T-C. GRCh37 (hg19) VCF-style: chr6-107780464-T-C.
Other names: short protein forms H9R.
Identifiers: ClinVar variation 1956636 (VCV001956636.4), dbSNP rs1419713675, ClinGen allele CA365326261.